The following is an entry in ClinVar:

NM_005751.5(AKAP9):c.9595A>G (p.Lys3199Glu)

Gene: AKAP9 (A-kinase anchoring protein 9; plus strand). Cytogenetic location: 7q21.2.
Variant type: single nucleotide variant.
Coding change: c.9595A>G on transcript NM_005751.5 (MANE Select); coding-DNA position 9595, A replaced by G.
Protein change: p.Lys3199Glu; replaces lysine 3199 with glutamic acid.
Molecular consequence: missense variant.
Genome position (GRCh38, 1-based): chr7:92,095,039, A>G. VCF-style: chr7-92095039-A-G. GRCh37 (hg19) VCF-style: chr7-91724353-A-G.
Other names: c.4240A>G, p.Lys1414Glu (NM_001379277.1); c.9571A>G, p.Lys3191Glu (NM_147185.3); short protein forms K1414E, K3191E, K3199E.
Identifiers: ClinVar variation 3225114 (VCV003225114.2), dbSNP rs1364235653, ClinGen allele CA368149120.

ClinVar aggregate classification (germline): Uncertain significance. Review status: criteria provided, multiple submitters, no conflicts (2 of 4 stars). 2 submissions from 2 submitters: Uncertain significance (2). Last evaluated 2025-05-07.

Conditions:
Long QT syndrome (LQTS). Identifiers: MedGen C0023976, MeSH D008133, MONDO:0002442. Disease mechanism: loss of function. Inheritance: Various modes of inheritance.
Cardiovascular phenotype. Identifiers: MedGen CN230736.

Allele frequency attached by ClinVar (database versions not stated): gnomAD exomes below 0.00001; gnomAD 0.00001.
gnomAD v4.1: 7 of 1,613,994 alleles (0.00043%); highest among the groups gnomAD compares: Non-Finnish European, 0.00059%; no homozygotes.

Submissions (2):

Labcorp Genetics (formerly Invitae), Labcorp
Classification: Uncertain significance for Long QT syndrome. Last evaluated: 2025-05-07. Review status: criteria provided, single submitter. Criteria: Invitae Variant Classification Sherloc (09022015). Collection method: clinical testing. Allele origin: germline.
Comment: This sequence change replaces lysine, which is basic and polar, with glutamic acid, which is acidic and polar, at codon 3199 of the AKAP9 protein (p.Lys3199Glu). This variant is not present in population databases (gnomAD no frequency). This variant has not been reported in the literature in individuals affected with AKAP9-related conditions. ClinVar contains an entry for this variant (Variation ID: 3225114). An algorithm developed to predict the effect of missense changes on protein structure and function (PolyPhen-2) suggests that this variant is likely to be disruptive. In summary, the available evidence is currently insufficient to determine the role of this variant in disease. Therefore, it has been classified as a Variant of Uncertain Significance.

Ambry Genetics
Classification: Uncertain significance for Cardiovascular phenotype. Last evaluated: 2024-01-22. Review status: criteria provided, single submitter. Criteria: Ambry Variant Classification Scheme 2023. Collection method: clinical testing. Allele origin: germline.
Comment: The p.K3199E variant (also known as c.9595A>G), located in coding exon 40 of the AKAP9 gene, results from an A to G substitution at nucleotide position 9595. The lysine at codon 3199 is replaced by glutamic acid, an amino acid with similar properties. This amino acid position is conserved. In addition, this alteration is predicted to be tolerated by in silico analysis. Based on the available evidence, the clinical significance of this alteration remains unclear.